The following is an entry in ClinVar:

ClinVar aggregate classification (germline): Uncertain significance. Review status: criteria provided, multiple submitters, no conflicts (2 of 4 stars). 3 submissions from 3 submitters: Uncertain significance (3). Last evaluated 2025-06-30.

Allele frequency attached by ClinVar (database versions not stated): gnomAD exomes below 0.00001; TOPMed below 0.00001.
gnomAD v4.1: 5 of 1,613,768 alleles (0.00031%); highest among the groups gnomAD compares: South Asian, 0.0011%; no homozygotes.

Submissions (3):

GeneDx
Classification: Uncertain significance. Last evaluated: 2025-06-30. Review status: criteria provided, single submitter. Criteria: GeneDx Variant Classification Process June 2021. Collection method: clinical testing. Allele origin: germline. Affected: yes.
Comment: Not observed at significant frequency in large population cohorts (gnomAD); In silico analysis suggests that this missense variant does not alter protein structure/function; Has not been previously published as pathogenic or benign to our knowledge

Labcorp Genetics (formerly Invitae), Labcorp
Classification: Uncertain significance. Last evaluated: 2024-05-20. Review status: criteria provided, single submitter. Criteria: Invitae Variant Classification Sherloc (09022015). Collection method: clinical testing. Allele origin: germline.
Comment: This sequence change replaces alanine, which is neutral and non-polar, with valine, which is neutral and non-polar, at codon 1344 of the LRP5 protein (p.Ala1344Val). This variant is not present in population databases (gnomAD no frequency). This variant has not been reported in the literature in individuals affected with LRP5-related conditions. ClinVar contains an entry for this variant (Variation ID: 957274). Advanced modeling of protein sequence and biophysical properties (such as structural, functional, and spatial information, amino acid conservation, physicochemical variation, residue mobility, and thermodynamic stability) performed at Invitae indicates that this missense variant is not expected to disrupt LRP5 protein function with a negative predictive value of 95%. In summary, the available evidence is currently insufficient to determine the role of this variant in disease. Therefore, it has been classified as a Variant of Uncertain Significance.

Blueprint Genetics
Classification: Uncertain significance. Last evaluated: 2022-02-15. Review status: criteria provided, single submitter. Criteria: ACMG Guidelines, 2015. Collection method: clinical testing. Allele origin: germline.

NM_002335.4(LRP5):c.4031C>T (p.Ala1344Val)

Gene: LRP5 (LDL receptor related protein 5; plus strand). Cytogenetic location: 11q13.2.
Variant type: single nucleotide variant.
Coding change: c.4031C>T on transcript NM_002335.4 (MANE Select); coding-DNA position 4031, C replaced by T.
Protein change: p.Ala1344Val; replaces alanine 1344 with valine.
Molecular consequence: missense variant.
Genome position (GRCh38, 1-based): chr11:68,436,919, C>T. VCF-style: chr11-68436919-C-T. GRCh37 (hg19) VCF-style: chr11-68204387-C-T.
Other names: c.2288C>T, p.Ala763Val (NM_001291902.2); c.4031C>T (NM_002335.2); short protein forms A763V, A1344V.
Identifiers: ClinVar variation 957274 (VCV000957274.11), dbSNP rs2098675322, ClinGen allele CA381614417.